The following is an entry in ClinVar:

NM_016507.4(CDK12):c.3518T>C (p.Met1173Thr)

Gene: CDK12 (cyclin dependent kinase 12; plus strand). Cytogenetic location: 17q12.
Variant type: single nucleotide variant.
Coding change: c.3518T>C on transcript NM_016507.4 (MANE Select); coding-DNA position 3518, T replaced by C.
Protein change: p.Met1173Thr; replaces methionine 1173 with threonine.
Molecular consequence: missense variant.
Genome position (GRCh38, 1-based): chr17:39,526,074, T>C. VCF-style: chr17-39526074-T-C. GRCh37 (hg19) VCF-style: chr17-37682327-T-C.
Other names: c.3518T>C, p.Met1173Thr (NM_015083.4); short protein forms M1173T.
Identifiers: ClinVar variation 4651394 (VCV004651394.1).

ClinVar aggregate classification (germline): Uncertain significance (1 of 4 stars; one submission).

Submission:

Ambry Genetics
Classification: Uncertain significance. Last evaluated: 2025-10-22. Review status: criteria provided, single submitter. Criteria: Ambry Variant Classification Scheme 2023. Collection method: clinical testing. Allele origin: germline.
Comment: The p.M1173T variant (also known as c.3518T>C), located in coding exon 13 of the CDK12 gene, results from a T to C substitution at nucleotide position 3518. The methionine at codon 1173 is replaced by threonine, an amino acid with similar properties. This amino acid position is conserved. In addition, this alteration is predicted to be tolerated by in silico analysis. Based on the available evidence, the clinical significance of this variant remains unclear.